The following is an entry in ClinVar:

NM_024675.4(PALB2):c.3132A>T (p.Gln1044His)

Gene: PALB2 (partner and localizer of BRCA2; minus strand). Cytogenetic location: 16p12.2.
Variant type: single nucleotide variant.
Coding change: c.3132A>T on transcript NM_024675.4 (MANE Select); coding-DNA position 3132, A replaced by T.
Protein change: p.Gln1044His; replaces glutamine 1044 with histidine.
Molecular consequence: missense variant.
Genome position (GRCh38, 1-based): chr16:23,614,073, T>A on the plus strand (A>T on the coding strand, the complement: PALB2 is on the minus strand). VCF-style: chr16-23614073-T-A. GRCh37 (hg19) VCF-style: chr16-23625394-T-A.
Other names: short protein forms Q1044H.
Identifiers: ClinVar variation 460977 (VCV000460977.26), dbSNP rs587780216, ClinGen allele CA7963416.

ClinVar aggregate classification (germline): Uncertain significance. Review status: criteria provided, multiple submitters, no conflicts (2 of 4 stars). 5 submissions from 5 submitters: Uncertain significance (5). Last evaluated 2025-12-16.

Conditions:
Hereditary cancer-predisposing syndrome. Also called: Neoplastic Syndromes, Hereditary; Hereditary Cancer Syndrome; Hereditary neoplastic syndrome; Tumor predisposition. Identifiers: Orphanet 140162, MedGen C0027672, MeSH D009386, MONDO:0015356.
PALB2-related disorder. Also called: PALB2-related condition; PALB2-related disorders.
Familial cancer of breast. Also called: BREAST CANCER, FAMILIAL; Hereditary breast cancer; hereditary breast carcinoma. Identifiers: Orphanet 227535, MedGen C0346153, MONDO:0016419, OMIM 114480. Disease mechanism: loss of function.

Allele frequency attached by ClinVar (database versions not stated): gnomAD below 0.00001 and 0.00001; TOPMed below 0.00001; ExAC 0.00002.
gnomAD v4.1: 22 of 1,612,054 alleles (0.0014%); highest among the groups gnomAD compares: South Asian, 0.0099%; no homozygotes.

Submissions (5):

Color Diagnostics, LLC DBA Color Health
Classification: Uncertain significance for Hereditary cancer-predisposing syndrome. Last evaluated: 2025-12-16. Review status: criteria provided, single submitter. Criteria: ACMG Guidelines, 2015. Collection method: clinical testing. Allele origin: germline.
Comment: This missense variant replaces glutamine with histidine at codon 1044 of the PALB2 protein. Computational prediction suggests that this variant may not impact protein structure and function. A function study has reported that this variant does not impact PALB2 function in a homology-directed DNA repair assay (PMID: 31636395). This variant has been detected in two breast cancer case-control studies in 0/60466 cases and 1/53461 unaffected individuals (PMID: 33471991Leiden Open Variation Database DB-ID PALB2_010782) and 0/7840 cases and 1/7928 controls (PMID: 33811135). This variant also has been reported in 1 individual age 70 years or older without cancer in the FLOSSIES database. This variant has been identified in 22/1612054 chromosomes in the general population by the Genome Aggregation Database (gnomAD). The available evidence is insufficient to determine the role of this variant in disease conclusively. Therefore, this variant is classified as a Variant of Uncertain Significance.

Labcorp Genetics (formerly Invitae), Labcorp
Classification: Uncertain significance for Familial cancer of breast. Last evaluated: 2025-11-12. Review status: criteria provided, single submitter. Criteria: Invitae Variant Classification Sherloc (09022015). Collection method: clinical testing. Allele origin: germline.
Comment: This sequence change replaces glutamine, which is neutral and polar, with histidine, which is basic and polar, at codon 1044 of the PALB2 protein (p.Gln1044His). This variant is present in population databases (rs587780216, gnomAD 0.01%). This variant has not been reported in the literature in individuals affected with PALB2-related conditions. ClinVar contains an entry for this variant (Variation ID: 460977). Invitae Evidence Modeling of protein sequence and biophysical properties (such as structural, functional, and spatial information, amino acid conservation, physicochemical variation, residue mobility, and thermodynamic stability) indicates that this missense variant is not expected to disrupt PALB2 protein function with a negative predictive value of 80%. In summary, the available evidence is currently insufficient to determine the role of this variant in disease. Therefore, it has been classified as a Variant of Uncertain Significance.

Ambry Genetics
Classification: Uncertain significance for Hereditary cancer-predisposing syndrome. Last evaluated: 2024-06-14. Review status: criteria provided, single submitter. Criteria: Ambry Variant Classification Scheme 2023. Collection method: clinical testing. Allele origin: germline.
Comment: The p.Q1044H variant (also known as c.3132A>T), located in coding exon 11 of the PALB2 gene, results from an A to T substitution at nucleotide position 3132. The glutamine at codon 1044 is replaced by histidine, an amino acid with highly similar properties. This alteration was identified in 0/7840 cases of breast cancer and 1/7928 controls from Malaysia and Singapore (Ng PS et al. J Med Genet, 2021 Apr;:). This amino acid position is highly conserved in available vertebrate species. In addition, this alteration is predicted to be tolerated by in silico analysis. Since supporting evidence is limited at this time, the clinical significance of this alteration remains unclear.

Hereditary Cancer Laboratory, Hospital Universitario 12 de Octubre
Classification: Uncertain significance for Hereditary cancer-predisposing syndrome. Last evaluated: 2024-02-15. Review status: criteria provided, single submitter. Criteria: ACMG Guidelines, 2015. Collection method: clinical testing. Allele origin: germline.
Comment: PM2+BP4

PreventionGenetics, part of Exact Sciences
Classification: Uncertain significance for PALB2-related condition. Last evaluated: 2023-04-27. Review status: criteria provided, single submitter. Criteria: ACMG Guidelines, 2015. Collection method: clinical testing. Allele origin: germline.
Comment: The PALB2 c.3132A>T variant is predicted to result in the amino acid substitution p.Gln1044His. This variant was reported in an individual with Breast Cancer (Ng PS et al 2021. PubMed ID: 33811135). This variant is reported in 0.0066% of alleles in individuals of South Asian descent in gnomAD. At this time, the clinical significance of this variant is uncertain due to the absence of conclusive functional and genetic evidence.

Literature cited by the submitters: PubMed 31636395 (cited by Color Diagnostics, LLC DBA Color Health); PubMed 33471991 (cited by Color Diagnostics, LLC DBA Color Health); PubMed 33811135 (cited by Color Diagnostics, LLC DBA Color Health and Ambry Genetics).